The following is an entry in ClinVar:

NM_012210.4(TRIM32):c.942T>G (p.Ser314=)

Genes: ASTN2 (astrotactin 2; minus strand), TRIM32 (tripartite motif containing 32; plus strand). Cytogenetic location: 9q33.1.
Variant type: single nucleotide variant.
Coding change: c.942T>G on transcript NM_012210.4 (MANE Select); coding-DNA position 942, T replaced by G.
Protein change: p.Ser314=; no amino-acid change (serine 314 retained).
Molecular consequence: synonymous variant. On other transcripts: intron variant (3).
Genome position (GRCh38, 1-based): chr9:116,698,684, T>G. VCF-style: chr9-116698684-T-G. GRCh37 (hg19) VCF-style: chr9-119460963-T-G.
Other names: c.942T>G, p.Ser314= (NM_001099679.2, NM_001379048.1, NM_001379049.1 and 1 more transcripts); c.2653+27087A>C (NM_014010.5); c.2794+27087A>C (NM_001365069.1); c.2806+27087A>C (NM_001365068.1).
Identifiers: ClinVar variation 3355312 (VCV003355312.1).

ClinVar aggregate classification (germline): Likely benign (0 of 4 stars; one submission).

Conditions:
TRIM32-related disorder. Also called: TRIM32-related condition.

gnomAD v4.1: 1 of 1,614,198 alleles (0.000062%); highest among the groups gnomAD compares: Admixed American, 0.0017%; no homozygotes.

Submission:

PreventionGenetics, part of Exact Sciences
Classification: Likely benign for TRIM32-related condition. Last evaluated: 2019-09-23. Review status: no assertion criteria provided. Collection method: clinical testing. Allele origin: germline.
Comment: This variant is classified as likely benign based on ACMG/AMP sequence variant interpretation guidelines (Richards et al. 2015 PMID: 25741868, with internal and published modifications).